The following is an entry in ClinVar:

NM_000051.4(ATM):c.5100del (p.Lys1701fs)

Gene: ATM (ATM serine/threonine kinase; plus strand). Cytogenetic location: 11q22.3.
Variant type: Deletion.
Coding change: c.5100del on transcript NM_000051.4 (MANE Select); coding-DNA position 5100, one base deleted (T; older notation c.5100delT).
Protein change: p.Lys1701fs; shifts the reading frame from lysine 1701.
Molecular consequence: frameshift variant.
Genome position (GRCh38, 1-based): chr11:108,299,808, T deleted; the last of 2 consecutive T bases (chr11:108,299,807-108,299,808); deleting either gives the same sequence. VCF-style (leftmost placement, unchanged base first): chr11-108299806-CT-C. GRCh37 (hg19) VCF-style: chr11-108170533-CT-C.
Other names: c.5100del, p.Lys1701fs (NM_001351834.2); short protein forms K1701fs.
Identifiers: ClinVar variation 3148157 (VCV003148157.1), dbSNP rs2135890847, ClinGen allele CA1139770425.

ClinVar aggregate classification (germline): Pathogenic (1 of 4 stars; one submission).

Conditions:
Familial cancer of breast. Also called: BREAST CANCER, FAMILIAL; Hereditary breast cancer; hereditary breast carcinoma. Identifiers: Orphanet 227535, MedGen C0346153, MONDO:0016419, OMIM 114480. Disease mechanism: loss of function.

Submission:

Myriad Genetics, Inc.
Classification: Pathogenic for Familial cancer of breast. Last evaluated: 2024-01-25. Review status: criteria provided, single submitter. Criteria: Myriad Autosomal Dominant, Autosomal Recessive and X-Linked Classification Criteria (2023). Collection method: clinical testing. Allele origin: unknown.
Comment: This variant is considered pathogenic. This variant creates a frameshift predicted to result in premature protein truncation.